The following is an entry in ClinVar:

ClinVar aggregate classification (germline): Uncertain significance (1 of 4 stars; one submission).

Conditions:
Spastic paraplegia. Identifiers: MedGen C0037772, HP:0001258.

Submission:

Labcorp Genetics (formerly Invitae), Labcorp
Classification: Uncertain significance for Spastic paraplegia. Last evaluated: 2021-01-28. Review status: criteria provided, single submitter. Criteria: Invitae Variant Classification Sherloc (09022015). Collection method: clinical testing. Allele origin: germline.
Comment: In summary, the available evidence is currently insufficient to determine the role of this variant in disease. Therefore, it has been classified as a Variant of Uncertain Significance. Experimental studies and prediction algorithms are not available or were not evaluated, and the functional significance of this variant is currently unknown. This variant has not been reported in the literature in individuals with AP4E1-related conditions. This variant is not present in population databases (ExAC no frequency). This variant, c.2267_2269del, is a complex sequence change that results in the deletion of 2 and insertion of 1 amino acid(s) in the AP4E1 protein (p.Gln756_Ser757delinsPro).

NM_007347.5(AP4E1):c.2267_2269del (p.Gln756_Ser757delinsPro)

Gene: AP4E1 (adaptor related protein complex 4 subunit epsilon 1; plus strand). Cytogenetic location: 15q21.2.
Variant type: Deletion.
Coding change: c.2267_2269del on transcript NM_007347.5 (MANE Select); coding-DNA positions 2267 to 2269, 3 bases deleted (AAT; older notation c.2267_2269delAAT).
Protein change: p.Gln756_Ser757delinsPro.
Molecular consequence: inframe indel.
Genome position (GRCh38, 1-based): chr15:50,993,546-50,993,548, AAT deleted. VCF-style (leftmost placement, unchanged base first): chr15-50993545-CAAT-C. GRCh37 (hg19) VCF-style: chr15-51285742-CAAT-C.
Other names: c.2042_2044del, p.Gln681_Ser682delinsPro (NM_001252127.2).
Identifiers: ClinVar variation 1345388 (VCV001345388.8), dbSNP rs2140928521, ClinGen allele CA2573151021.
Genomic context (GRCh38, chr15:50,993,545, plus strand): 5'-AGTATAATGGAGAATGTAGATCAAGCTATAACTAAAAAGGATCAATCTCAAGTTCTTACC[CAAT>C]CTAAAGAGGAGAAAGAAAAGCAGCTGCTGGCATCATCATTATTTGTTGGTCTAGGATCAG-3'